The following is an entry in ClinVar:

NM_022552.5(DNMT3A):c.76G>A (p.Gly26Arg)

Gene: DNMT3A (DNA methyltransferase 3 alpha; minus strand). Cytogenetic location: 2p23.3.
Variant type: single nucleotide variant.
Coding change: c.76G>A on transcript NM_022552.5 (MANE Select); coding-DNA position 76, G replaced by A.
Protein change: p.Gly26Arg; replaces glycine 26 with arginine.
Molecular consequence: missense variant. On other transcripts: non-coding transcript variant (1).
Genome position (GRCh38, 1-based): chr2:25,300,240, C>T on the plus strand (G>A on the coding strand, the complement: DNMT3A is on the minus strand). VCF-style: chr2-25300240-C-T. GRCh37 (hg19) VCF-style: chr2-25523109-C-T.
Other names: c.76G>A, p.Gly26Arg (NM_001320892.2, NM_175629.2, NM_175630.1); short protein forms G26R.
Identifiers: ClinVar variation 1188417 (VCV001188417.8), dbSNP rs781524740, ClinGen allele CA1556554.

ClinVar aggregate classification (germline): Conflicting classifications of pathogenicity. Review status: criteria provided, conflicting classifications (1 of 4 stars). 3 submissions from 3 submitters: Uncertain significance (2); Likely benign (1). Last evaluated 2026-02-25.

Conditions:
DNMT3A-related disorder. Also called: DNMT3A-related condition; DNMT3A-related disorders.
Tatton-Brown-Rahman overgrowth syndrome. Also called: Tatton-Brown-Rahman syndrome; Tall stature-intellectual disability-facial dysmorphism syndrome. Identifiers: Orphanet 404443, MedGen C4014545, MONDO:0014382, OMIM 615879.

Allele frequency attached by ClinVar (database versions not stated): gnomAD exomes 0.00001 and 0.00002; ExAC 0.00002; gnomAD 0.00005 and 0.00006; TOPMed 0.00008.
gnomAD v4.1: 24 of 1,606,044 alleles (0.0015%); highest among the groups gnomAD compares: African/African-American, 0.019%; no homozygotes.

Submissions (3):

PreventionGenetics, part of Exact Sciences
Classification: Uncertain significance for DNMT3A-related condition. Last evaluated: 2026-02-25. Review status: criteria provided, single submitter. Criteria: ACMG Guidelines, 2015. Collection method: clinical testing. Allele origin: germline.
Comment: The DNMT3A c.76G>A variant is predicted to result in the amino acid substitution p.Gly26Arg. To our knowledge, this variant has not been reported in the literature. This variant is reported in 0.032% of alleles in individuals of African descent in gnomAD, which is likely too common for an undocumented disease-causing variant. Although we suspect that this variant may be benign, at this time, the clinical significance of this variant is uncertain due to the absence of conclusive functional and genetic evidence.

Labcorp Genetics (formerly Invitae), Labcorp
Classification: Uncertain significance for Tatton-Brown-Rahman overgrowth syndrome. Last evaluated: 2025-02-28. Review status: criteria provided, single submitter. Criteria: Invitae Variant Classification Sherloc (09022015). Collection method: clinical testing. Allele origin: germline.
Comment: This sequence change replaces glycine, which is neutral and non-polar, with arginine, which is basic and polar, at codon 26 of the DNMT3A protein (p.Gly26Arg). This variant is present in population databases (rs781524740, gnomAD 0.03%). This variant has not been reported in the literature in individuals affected with DNMT3A-related conditions. ClinVar contains an entry for this variant (Variation ID: 1188417). Invitae Evidence Modeling of protein sequence and biophysical properties (such as structural, functional, and spatial information, amino acid conservation, physicochemical variation, residue mobility, and thermodynamic stability) indicates that this missense variant is not expected to disrupt DNMT3A protein function with a negative predictive value of 95%. In summary, the available evidence is currently insufficient to determine the role of this variant in disease. Therefore, it has been classified as a Variant of Uncertain Significance.

GeneDx
Classification: Likely benign. Last evaluated: 2020-12-09. Review status: criteria provided, single submitter. Criteria: GeneDx Variant Classification Process June 2021. Collection method: clinical testing. Allele origin: germline. Affected: yes.